The following is an entry in ClinVar:

NM_001010870.3(TDRD6):c.2826C>A (p.Thr942=)

Gene: TDRD6 (tudor domain containing 6; plus strand). Cytogenetic location: 6p12.3.
Variant type: single nucleotide variant.
Coding change: c.2826C>A on transcript NM_001010870.3 (MANE Select); coding-DNA position 2826, C replaced by A.
Protein change: p.Thr942=; no amino-acid change (threonine 942 retained).
Molecular consequence: synonymous variant.
Genome position (GRCh38, 1-based): chr6:46,690,954, C>A. VCF-style: chr6-46690954-C-A. GRCh37 (hg19) VCF-style: chr6-46658691-C-A.
Other names: c.2826C>A, p.Thr942= (NM_001168359.2).
Identifiers: ClinVar variation 2656626 (VCV002656626.24), dbSNP rs746551549, ClinGen allele CA450177781.

ClinVar aggregate classification (germline): Likely benign (1 of 4 stars; one submission).

gnomAD v4.1: 1 of 1,614,078 alleles (0.000062%); highest among the groups gnomAD compares: East Asian, 0.0022%; no homozygotes.

Submission:

CeGaT Center for Human Genetics Tuebingen
Classification: Likely benign. Last evaluated: 2023-01-01. Review status: criteria provided, single submitter. Criteria: CeGaT Center For Human Genetics Tuebingen Variant Classification Criteria Version 2. Collection method: clinical testing. Allele origin: germline. Affected: yes. Observed: 1 variant allele.
Comment: TDRD6: BP4, BP7